The following is an entry in ClinVar:

ClinVar aggregate classification (germline): Conflicting classifications of pathogenicity. Review status: criteria provided, conflicting classifications (1 of 4 stars). 6 submissions from 6 submitters: Pathogenic (1); Likely pathogenic (1); Uncertain significance (2). 2 of the submissions do not count toward it. Last evaluated 2025-11-04.

Conditions:
Multiple congenital anomalies/dysmorphic syndrome-intellectual disability. Identifiers: Orphanet 102283, MedGen C5680372, MONDO:0015159.
Warburg-cinotti syndrome. Identifiers: MedGen C5193019, MONDO:0032579, OMIM 618175.

Submissions (6):

3billion
Classification: Likely pathogenic for Warburg-cinotti syndrome. Last evaluated: 2025-11-04. Review status: criteria provided, single submitter. Criteria: ACMG Guidelines, 2015. Collection method: clinical testing. Allele origin: germline. Affected: yes.
Comment: The variant is not observed in the gnomAD v4.1.0 dataset. Predicted Consequence/Location: Missense variant In silico tool predictions suggest damaging effect of the variant on gene or gene product [REVEL: 0.84 (>=0.6, sensitivity 0.68 and specificity 0.92); 3Cnet: 0.60 (> 0.75, sensitivity 0.96 and precision 0.92)]. The same nucleotide change resulting in the same amino acid change has been previously reported to be associated with DDR2-related disorder (PMID: 30449416).The variant has been previously reported as assumed (i.e. paternity and maternity not confirmed) de novo in at least one similarly affected unrelated individual (PMID: 30449416). The variant has been reported to co-segregate with the disease in at least 3 similarly affected relatives/individuals in the same family or similarly affected unrelated families (PMID: 30449416). Therefore, this variant is classified as Likely pathogenic according to the recommendation of ACMG/AMP guideline.

AURAGEN, Plan France Médecine Génomique
Classification: Pathogenic for Multiple congenital anomalies/dysmorphic syndrome-intellectual disability. Last evaluated: 2021-02-09. Review status: criteria provided, single submitter. Criteria: PFMG2025 (Lancet Reg Health Eur. 2025). Collection method: clinical testing. Allele origin: germline. Affected: yes.

GeneDx
Classification: Uncertain significance. Last evaluated: 2020-01-02. Review status: criteria provided, single submitter. Criteria: GeneDx Variant Classification Process June 2021. Collection method: clinical testing. Allele origin: germline. Affected: yes.
Comment: Not observed in large population cohorts (Lek et al., 2016); In silico analysis, which includes protein predictors and evolutionary conservation, supports a deleterious effect; Identified in patients with Warburg-Cinotti syndrome in published literature (Xu et al., 2018); This variant is associated with the following publications: (PMID: 23637089, 30449416)

Illumina Laboratory Services, Illumina
Classification: Uncertain significance for Warburg-cinotti syndrome. Last evaluated: 2019-09-13. Review status: criteria provided, single submitter. Criteria: ICSLVariantClassificationCriteria RUGD 01 April 2020. Collection method: clinical testing. Allele origin: unknown.
Comment: The DDR2 c.2219A>G p.(Tyr740Cys) missense variant has been identified in four individuals from a single family with a phenotype consistent with Warburg-Cinotti syndrome. The variant was identified in a de novo state in the affected mother (Xu et al. 2018). This variant is not observed in version 2.1.1 of the Genome Aggregation Database. The Tyr740 residue is conserved across the family of tyrosine kinase receptors and located within the kinase activation loop where it is one of three tyrosine residues which upon phosphorylation regulate kinase catalytic activity and are critical for receptor activation (Borza et al. 2014). Patient fibroblasts harboring the p.Tyr740Cys variant show elevated levels of DDR2 phosphorylation when grown in serum starved media, suggesting that the variant has a gain of function mechanism resulting in ligand independent autophosphorylation and activation of the receptor (Xu et al. 2018). Based on the available evidence, the c.2219A>G p.(Tyr740Cys) variant is classified as a variant of uncertain significance for Warburg-Cinotti syndrome.

OMIM
Classification: Pathogenic for WARBURG-CINOTTI SYNDROME. Last evaluated: 2019-02-13. Review status: no assertion criteria provided. Collection method: literature only. Allele origin: germline. Not counted in ClinVar's aggregate classification.

Center for Medical Genetics and Molecular Medicine, Haukeland University Hospital
Classification: Pathogenic for Warburg-Cinotti syndrome. Last evaluated: 2018-10-12. Review status: no assertion criteria provided. Collection method: clinical testing, in vitro. Allele origin: de novo, not applicable. Inheritance: Autosomal dominant inheritance. Affected: yes. Observed: 1 heterozygote. Functional consequence: protein gain of function. Not counted in ClinVar's aggregate classification.
Comment: Variant found in several individuals with acro-osteolysis, tendency to form keloind-like skin tumors, and corneal vascularization.

Literature cited by the submitters: PubMed 30449416 (cited by 3billion and OMIM); PubMed 23637089 (cited by OMIM).

NM_006182.4(DDR2):c.2219A>G (p.Tyr740Cys)

Gene: DDR2 (discoidin domain receptor tyrosine kinase 2; plus strand). Cytogenetic location: 1q23.3.
Variant type: single nucleotide variant.
Coding change: c.2219A>G on transcript NM_006182.4 (MANE Select); coding-DNA position 2219, A replaced by G.
Protein change: p.Tyr740Cys; replaces tyrosine 740 with cysteine.
Molecular consequence: missense variant.
Genome position (GRCh38, 1-based): chr1:162,776,306, A>G. VCF-style: chr1-162776306-A-G. GRCh37 (hg19) VCF-style: chr1-162746096-A-G.
Other names: c.2219A>G, p.Tyr740Cys (LRG_1390t1, NM_001014796.3, NM_001354982.2 and 1 more transcripts); short protein forms Y740C.
Identifiers: ClinVar variation 586979 (VCV000586979.11), dbSNP rs1558081627, ClinGen allele CA343416101.
Genomic context (GRCh38, chr1:162,776,306, plus strand): 5'-AGAACTACACAATCAAGATAGCTGACTTTGGAATGAGCAGGAACCTGTACAGTGGTGACT[A>G]TTACCGGATCCAGGGCCGGGCAGTGCTCCCTATCCGCTGGATGTCTTGGGAGAGTATCTT-3'
Protein context (NP_006173.2, residues 730-750): GMSRNLYSGD[Tyr740Cys]YRIQGRAVLP